The following is an entry in ClinVar:

ClinVar aggregate classification (germline): Pathogenic (1 of 4 stars; one submission).

Conditions:
Familial adenomatous polyposis 1 (FAP1). Also called: FAMILIAL ADENOMATOUS POLYPOSIS 1, ATTENUATED; POLYPOSIS, ADENOMATOUS INTESTINAL. Identifiers: MedGen C2713442, MONDO:0021056, OMIM 175100. Disease mechanism: loss of function.

Submission:

Myriad Genetics, Inc.
Classification: Pathogenic for Familial adenomatous polyposis 1. Last evaluated: 2023-05-09. Review status: criteria provided, single submitter. Criteria: Myriad Autosomal Dominant, Autosomal Recessive and X-Linked Classification Criteria (2023). Collection method: clinical testing. Allele origin: unknown.
Comment: This variant is considered pathogenic. This variant creates a frameshift predicted to result in premature protein truncation.

NM_000038.6(APC):c.3640_3643del (p.Ser1214fs)

Gene: APC (APC regulator of Wnt signaling pathway; plus strand). Cytogenetic location: 5q22.2.
Variant type: Deletion.
Coding change: c.3640_3643del on transcript NM_000038.6 (MANE Select); coding-DNA positions 3640 to 3643, 4 bases deleted (AGCA; older notation c.3640_3643delAGCA).
Protein change: p.Ser1214fs; shifts the reading frame from serine 1214.
Molecular consequence: frameshift variant. On other transcripts: non-coding transcript variant (2).
Genome position (GRCh38, 1-based): chr5:112,839,234-112,839,237, AGCA deleted; deleting any 4 consecutive bases within chr5:112,839,232-112,839,237 gives the same sequence; the c. name uses the placement nearest the transcript's 3' end. VCF-style (leftmost placement, unchanged base first): chr5-112839231-TCAAG-T. GRCh37 (hg19) VCF-style: chr5-112174928-TCAAG-T.
Other names: c.3640_3643del, p.Ser1214fs (NM_001354895.2, NM_001407450.1, NM_001127510.3); c.3694_3697del, p.Ser1232fs (NM_001354896.2, NM_001407447.1, NM_001407448.1 and 1 more transcripts); c.3670_3673del, p.Ser1224fs (NM_001354897.2); c.3565_3568del, p.Ser1189fs (NM_001354898.2); c.3556_3559del, p.Ser1186fs (NM_001354899.2); c.3517_3520del, p.Ser1173fs (NM_001354900.2); c.3463_3466del, p.Ser1155fs (NM_001354901.2, NM_001407453.1); c.3367_3370del, p.Ser1123fs (NM_001354902.2); and 11 more; short protein forms S1054fs, S1085fs, S1088fs, S1113fs, S1123fs, S1131fs, S1155fs, S1173fs.
Identifiers: ClinVar variation 2584180 (VCV002584180.1), dbSNP rs2533513507, ClinGen allele CA2582341527.